The following is an entry in ClinVar:

ClinVar aggregate classification (germline): Uncertain significance (1 of 4 stars; one submission).

Conditions:
Acrocallosal syndrome (ACLS). Also called: HALLUX DUPLICATION, POSTAXIAL POLYDACTYLY, AND ABSENCE OF CORPUS CALLOSUM; Schinzel syndrome 1; Absence of corpus callosum with unusual facial appearance, mental deficiency, duplication of the halluces and polydactyly. Identifiers: Orphanet 36, MedGen C0796147, MONDO:0008708, OMIM 200990.

Allele frequency attached by ClinVar (database versions not stated): ExAC 0.00001; gnomAD exomes 0.00001; gnomAD 0.00002.
gnomAD v4.1: 13 of 1,607,132 alleles (0.00081%); highest among the groups gnomAD compares: South Asian, 0.0078%; no homozygotes.

Submission:

Labcorp Genetics (formerly Invitae), Labcorp
Classification: Uncertain significance for Acrocallosal syndrome. Last evaluated: 2024-05-06. Review status: criteria provided, single submitter. Criteria: Invitae Variant Classification Sherloc (09022015). Collection method: clinical testing. Allele origin: germline.
Comment: This sequence change replaces histidine, which is basic and polar, with glutamine, which is neutral and polar, at codon 741 of the KIF7 protein (p.His741Gln). This variant is present in population databases (rs751746707, gnomAD 0.003%). This variant has not been reported in the literature in individuals affected with KIF7-related conditions. ClinVar contains an entry for this variant (Variation ID: 1441525). Advanced modeling of protein sequence and biophysical properties (such as structural, functional, and spatial information, amino acid conservation, physicochemical variation, residue mobility, and thermodynamic stability) performed at Invitae indicates that this missense variant is not expected to disrupt KIF7 protein function with a negative predictive value of 80%. In summary, the available evidence is currently insufficient to determine the role of this variant in disease. Therefore, it has been classified as a Variant of Uncertain Significance.

NM_198525.3(KIF7):c.2223C>G (p.His741Gln)

Gene: KIF7 (kinesin family member 7; minus strand). Cytogenetic location: 15q26.1.
Variant type: single nucleotide variant.
Coding change: c.2223C>G on transcript NM_198525.3 (MANE Select); coding-DNA position 2223, C replaced by G.
Protein change: p.His741Gln; replaces histidine 741 with glutamine.
Molecular consequence: missense variant.
Genome position (GRCh38, 1-based): chr15:89,642,374, G>C on the plus strand (C>G on the coding strand, the complement: KIF7 is on the minus strand). VCF-style: chr15-89642374-G-C. GRCh37 (hg19) VCF-style: chr15-90185605-G-C.
Other names: short protein forms H741Q.
Identifiers: ClinVar variation 1441525 (VCV001441525.8), dbSNP rs751746707, ClinGen allele CA7728266.